The following is an entry in ClinVar:

ClinVar aggregate classification (germline): Conflicting classifications of pathogenicity. Review status: criteria provided, conflicting classifications (1 of 4 stars). 4 submissions from 4 submitters: Likely pathogenic (2); Uncertain significance (1). 1 of the submissions does not count toward it. Last evaluated 2026-07-14.

Conditions:
MAN2C1-related disorder. Also called: MAN2C1-related condition.
Congenital disorder of deglycosylation 2 (CDDG2). Identifiers: MedGen C5676931, MONDO:0030770, OMIM 619775.

Allele frequency attached by ClinVar (database versions not stated): gnomAD 0.00045 and 0.00046; ESP Exome Variant Server 0.00069.
gnomAD v4.1: 1,393 of 1,614,004 alleles (0.086%); highest among the groups gnomAD compares: Non-Finnish European, 0.11%; 2 homozygotes.

Submissions (4):

PreventionGenetics, part of Exact Sciences
Classification: Likely pathogenic for MAN2C1-related condition. Last evaluated: 2026-07-14. Review status: criteria provided, single submitter. Criteria: ACMG Guidelines, 2015. Collection method: clinical testing. Allele origin: germline.
Comment: The MAN2C1 c.2663G>C variant is predicted to result in the amino acid substitution p.Cys888Ser. This variant has been reported in the compound heterozygous state in four individuals from three families affected with dysmorphic facial features and brain anomalies with or without intellectual disability (described as p.Cys871Ser in alternate transcript NM_006715.4 in Maia et al. 2022. PubMed ID: 35045343; Akula et al. 2023. PubMed ID: 37486637). This variant is reported in 0.099% of alleles in individuals of European (Non-Finnish) descent in gnomAD. This variant is interpreted as likely pathogenic.

Dasa
Classification: Uncertain significance. Last evaluated: 2025-02-20. Review status: criteria provided, single submitter. Criteria: DASA Assertion Criteria. Collection method: clinical testing. Allele origin: germline.
Comment: NM_006715.4(MAN2C1):c.2612G>C (p.Cys871Ser) is a missense variant that results in the substitution of cysteine with serine. Segregation data support an association with disease in the reported family/families (PMID: 35045343). This variant has been reported in individuals with MAN2C1-related disorders (PMID: 35045343). Functional evidence supports an impact on the gene or gene product. Also, this variant is rare in population databases. The currently available literature and clinical evidence are not sufficient to establish a definitive association between this variant and the reported condition. Therefore, this variant is classified as a variant of uncertain significance.

Department of Pathology and Laboratory Medicine, Sinai Health System
Classification: Likely pathogenic for Congenital disorder of deglycosylation 2. Last evaluated: 2023-05-14. Review status: criteria provided, single submitter. Criteria: ACMG Guidelines, 2015. Collection method: research. Allele origin: germline.

OMIM
Classification: Pathogenic for CONGENITAL DISORDER OF DEGLYCOSYLATION 2. Last evaluated: 2022-03-09. Review status: no assertion criteria provided. Collection method: literature only. Allele origin: germline. Not counted in ClinVar's aggregate classification.

Literature cited by the submitters: PubMed 35045343 (cited by Dasa and OMIM).

NM_006715.4(MAN2C1):c.2612G>C (p.Cys871Ser)

Genes: MAN2C1 (mannosidase alpha class 2C member 1; minus strand), NEIL1 (nei like DNA glycosylase 1; plus strand). Cytogenetic location: 15q24.2.
Variant type: single nucleotide variant.
Coding change: c.2612G>C on transcript NM_006715.4 (MANE Select); coding-DNA position 2612, G replaced by C.
Protein change: p.Cys871Ser; replaces cysteine 871 with serine.
Molecular consequence: missense variant. On other transcripts: 3 prime UTR variant (2), non-coding transcript variant (1).
Genome position (GRCh38, 1-based): chr15:75,356,838, C>G on the plus strand (G>C on the coding strand, the complement: MAN2C1 is on the minus strand). VCF-style: chr15-75356838-C-G. GRCh37 (hg19) VCF-style: chr15-75649179-C-G.
Other names: c.2663G>C, p.Cys888Ser (NM_001256494.2); c.2612G>C, p.Cys871Ser (NM_001256495.2); c.2315G>C, p.Cys772Ser (NM_001256496.2); c.*1804C>G (NM_001352520.2, NM_024608.4); c.2663G>C (NM_001256494.1); short protein forms C871S, C772S, C888S.
Identifiers: ClinVar variation 1342928 (VCV001342928.5), dbSNP rs143755898, ClinGen allele CA7666148.
Genomic context (GRCh38, chr15:75,356,838, plus strand): 5'-GGGTACCCCACTTACAGCGAGAGGCTGAGGATGCTGCCTCGCACTGACGCGCCATACTTG[C>G]AGTCGTTGAGCAGGGCCAGCCCAAAGCCGTGTTCTGACAGATCCATCCAGCGATGGGCCC-3'
Protein context (NP_006706.2, residues 861-881): HGFGLALLND[Cys871Ser]KYGASVRGSI